The following is an entry in ClinVar:

ClinVar aggregate classification (germline): Uncertain significance (1 of 4 stars; one submission).

Conditions:
Developmental and epileptic encephalopathy 94 (DEE94). Also called: CHD2-Related Neurodevelopmental Disorders; Epileptic encephalopathy, childhood-onset. Identifiers: Orphanet 1942, Orphanet 2382, MedGen C3809278, MONDO:0014150, OMIM 615369.

Allele frequency attached by ClinVar (database versions not stated): TOPMed below 0.00001.

Submission:

Labcorp Genetics (formerly Invitae), Labcorp
Classification: Uncertain significance for Developmental and epileptic encephalopathy 94. Last evaluated: 2022-09-27. Review status: criteria provided, single submitter. Criteria: Invitae Variant Classification Sherloc (09022015). Collection method: clinical testing. Allele origin: germline.
Comment: This sequence change replaces arginine, which is basic and polar, with tryptophan, which is neutral and slightly polar, at codon 92 of the CHD2 protein (p.Arg92Trp). This variant is not present in population databases (gnomAD no frequency). This variant has not been reported in the literature in individuals affected with CHD2-related conditions. Advanced modeling of protein sequence and biophysical properties (such as structural, functional, and spatial information, amino acid conservation, physicochemical variation, residue mobility, and thermodynamic stability) performed at Invitae indicates that this missense variant is not expected to disrupt CHD2 protein function. In summary, the available evidence is currently insufficient to determine the role of this variant in disease. Therefore, it has been classified as a Variant of Uncertain Significance.

NM_001271.4(CHD2):c.274C>T (p.Arg92Trp)

Gene: CHD2 (chromodomain helicase DNA binding protein 2; plus strand). Cytogenetic location: 15q26.1.
Variant type: single nucleotide variant.
Coding change: c.274C>T on transcript NM_001271.4 (MANE Select); coding-DNA position 274, C replaced by T.
Protein change: p.Arg92Trp; replaces arginine 92 with tryptophan.
Molecular consequence: missense variant.
Genome position (GRCh38, 1-based): chr15:92,924,532, C>T. VCF-style: chr15-92924532-C-T. GRCh37 (hg19) VCF-style: chr15-93467762-C-T.
Other names: c.274C>T, p.Arg92Trp (NM_001042572.3); short protein forms R92W.
Identifiers: ClinVar variation 2123521 (VCV002123521.4), dbSNP rs2053020257, ClinGen allele CA393896460.
Genomic context (GRCh38, chr15:92,924,532, plus strand): 5'-GGTTCCAAATCCCAGCCAGTCCTCCCAGAAGCCAAAGAGAAGCCAGCCTCTAAGAAGGAA[C>T]GGATAGCTGATGTGAAGAAGGTATCTACTTTGCCCTGCAGTACAAATGTGCTGCTAGCCT-3'
Protein context (NP_001262.3, residues 82-102): AKEKPASKKE[Arg92Trp]IADVKKMWEE